The following is an entry in ClinVar:

NM_138352.3(SAMD1):c.86C>T (p.Pro29Leu)

Genes: SAMD1 (sterile alpha motif domain containing 1; minus strand), LOC130063760 (ATAC-STARR-seq lymphoblastoid silent region 10229; plus strand). Cytogenetic location: 19p13.12.
Variant type: single nucleotide variant.
Coding change: c.86C>T on transcript NM_138352.3 (MANE Select); coding-DNA position 86, C replaced by T.
Protein change: p.Pro29Leu; replaces proline 29 with leucine.
Molecular consequence: missense variant.
Genome position (GRCh38, 1-based): chr19:14,090,335, G>A on the plus strand (C>T on the coding strand, the complement: SAMD1 is on the minus strand). VCF-style: chr19-14090335-G-A. GRCh37 (hg19) VCF-style: chr19-14201147-G-A.
Other names: short protein forms P29L.
Identifiers: ClinVar variation 2310416 (VCV002310416.2), dbSNP rs2512569484, ClinGen allele CA404371206.
Genomic context (GRCh38, chr19:14,090,335, plus strand): 5'-GGCCGCGCCTTGCGCGAGCGCAGCGAGTCGATGGTGTCCAGGATCCACTCTTGGTAGTGC[G>A]GGGAAGCGGCGGACGACGAGGCGGCGGCCGCCGTGGTGGCGGCCGCCGCCGTCTCCGGCG-3'
Protein context (NP_612361.1, residues 19-39): AAAASSSAAS[Pro29Leu]HYQEWILDTI

ClinVar aggregate classification (germline): Uncertain significance (1 of 4 stars; one submission).

Allele frequency attached by ClinVar (database versions not stated): gnomAD exomes below 0.00001.

Submission:

Ambry Genetics
Classification: Uncertain significance. Last evaluated: 2022-09-06. Review status: criteria provided, single submitter. Criteria: Ambry Variant Classification Scheme 2023. Collection method: clinical testing. Allele origin: germline.
Comment: The c.86C>T (p.P29L) alteration is located in exon (coding exon ) of the SAMD1 gene. This alteration results from a C to T substitution at nucleotide position 86, causing the proline (P) at amino acid position 29 to be replaced by a leucine (L). Based on insufficient or conflicting evidence, the clinical significance of this alteration remains unclear.